The following is an entry in ClinVar:

NC_000019.9:g.(?_12775596)_(12777525_?)del

Gene: MAN2B1 (mannosidase alpha class 2B member 1; minus strand). Cytogenetic location: 19p13.2.
Variant type: Deletion.
Identifiers: ClinVar variation 2423226 (VCV002423226.4).

ClinVar aggregate classification (germline): Pathogenic (1 of 4 stars; one submission).

Conditions:
Deficiency of alpha-mannosidase (MANSA). Also called: LYSOSOMAL ALPHA-D-MANNOSIDASE DEFICIENCY; Alpha-Mannosidosis; Mannosidosis, alpha-, types I and II. Identifiers: Orphanet 61, MedGen C0024748, MONDO:0009561, OMIM 248500.

Submission:

Labcorp Genetics (formerly Invitae), Labcorp
Classification: Pathogenic for Deficiency of alpha-mannosidase. Last evaluated: 2022-06-27. Review status: criteria provided, single submitter. Criteria: Invitae Variant Classification Sherloc (09022015). Collection method: clinical testing. Allele origin: germline.
Comment: For these reasons, this variant has been classified as Pathogenic. This variant has not been reported in the literature in individuals affected with MAN2B1-related conditions. This variant is a gross deletion of the genomic region encompassing exon(s) 1-4 of the MAN2B1 gene, which includes the initiator codon. This deletion extends beyond the assayed region for this gene and therefore may encompass additional genes. It is expected to result in an absent or disrupted protein product. Loss-of-function variants in MAN2B1 are known to be pathogenic (PMID: 9915946, 22161967).

Literature cited by the submitters: PubMed 9915946; PubMed 22161967.